The following is an entry in ClinVar:

ClinVar aggregate classification (germline): Uncertain significance. Review status: criteria provided, multiple submitters, no conflicts (2 of 4 stars). 2 submissions from 2 submitters: Uncertain significance (2). Last evaluated 2025-11-10.

Conditions:
Mosaic variegated aneuploidy syndrome 1 (MVA1). Also called: Warburton-Anyane-Yeboa syndrome. Identifiers: Orphanet 1052, MedGen C1850343, MONDO:0009759, OMIM 257300.
Colorectal cancer. Also called: Malignant Colorectal Neoplasm; Colorectal cancer, somatic. Identifiers: MedGen C0346629, MONDO:0005575, OMIM 114500.
Premature chromatid separation trait (PCS). Also called: TOTAL PREMATURE CHROMATID SEPARATION TRAIT. Identifiers: MedGen C1864389, MONDO:0008304, OMIM 176430.

Allele frequency attached by ClinVar (database versions not stated): gnomAD exomes 0.00002 and 0.00004; TOPMed 0.00002; gnomAD 0.00003; ExAC 0.00004; 1000 Genomes Project 30x 0.00016; 1000 Genomes Project 0.00020.
gnomAD v4.1: 29 of 1,614,106 alleles (0.0018%); highest among the groups gnomAD compares: Non-Finnish European, 0.0025%; no homozygotes.

Submissions (2):

Labcorp Genetics (formerly Invitae), Labcorp
Classification: Uncertain significance for Mosaic variegated aneuploidy syndrome 1. Last evaluated: 2025-11-10. Review status: criteria provided, single submitter. Criteria: Invitae Variant Classification Sherloc (09022015). Collection method: clinical testing. Allele origin: germline.
Comment: This sequence change replaces tyrosine, which is neutral and polar, with histidine, which is basic and polar, at codon 162 of the BUB1B protein (p.Tyr162His). This variant is present in population databases (rs77520855, gnomAD 0.01%). This variant has not been reported in the literature in individuals affected with BUB1B-related conditions. ClinVar contains an entry for this variant (Variation ID: 855631). An algorithm developed to predict the effect of missense changes on protein structure and function (PolyPhen-2) suggests that this variant is likely to be disruptive. In summary, the available evidence is currently insufficient to determine the role of this variant in disease. Therefore, it has been classified as a Variant of Uncertain Significance.

Fulgent Genetics
Classification: Uncertain significance for Colorectal cancer; Premature chromatid separation trait; Mosaic variegated aneuploidy syndrome 1. Last evaluated: 2024-02-28. Review status: criteria provided, single submitter. Criteria: ACMG Guidelines, 2015. Collection method: clinical testing. Allele origin: germline.

NM_001211.6(BUB1B):c.484T>C (p.Tyr162His)

Gene: BUB1B (BUB1 mitotic checkpoint serine/threonine kinase B; plus strand). Cytogenetic location: 15q15.1.
Variant type: single nucleotide variant.
Coding change: c.484T>C on transcript NM_001211.6 (MANE Select); coding-DNA position 484, T replaced by C.
Protein change: p.Tyr162His; replaces tyrosine 162 with histidine.
Molecular consequence: missense variant.
Genome position (GRCh38, 1-based): chr15:40,176,576, T>C. VCF-style: chr15-40176576-T-C. GRCh37 (hg19) VCF-style: chr15-40468777-T-C.
Other names: short protein forms Y162H.
Identifiers: ClinVar variation 855631 (VCV000855631.12), dbSNP rs77520855, ClinGen allele CA7475493.